The following is an entry in ClinVar:

ClinVar aggregate classification (germline): Likely benign. Review status: criteria provided, multiple submitters, no conflicts (2 of 4 stars). 3 submissions from 3 submitters: Likely benign (3). Last evaluated 2026-08-14.

Conditions:
SMARCA4-related disorder. Also called: SMARCA4-related condition.
Hereditary cancer-predisposing syndrome. Also called: Hereditary Cancer Syndrome; Tumor predisposition; Hereditary neoplastic syndrome; Neoplastic Syndromes, Hereditary. Identifiers: Orphanet 140162, MedGen C0027672, MeSH D009386, MONDO:0015356.
Rhabdoid tumor predisposition syndrome 2 (RTPS2). Identifiers: Orphanet 231108, Orphanet 69077, MedGen C2750074, MONDO:0013224, OMIM 613325.

Allele frequency attached by ClinVar (database versions not stated): gnomAD exomes below 0.00001 and 0.00001; ExAC 0.00003; ESP Exome Variant Server 0.00008.
gnomAD v4.1: 1 of 1,613,998 alleles (0.000062%); highest among the groups gnomAD compares: Non-Finnish European, 0.000085%; no homozygotes.

Submissions (3):

PreventionGenetics, part of Exact Sciences
Classification: Likely benign for SMARCA4-related condition. Last evaluated: 2026-08-14. Review status: criteria provided, single submitter. Criteria: ACMG Guidelines, 2015. Collection method: clinical testing. Allele origin: germline.
Comment: This variant is classified as likely benign based on ACMG/AMP sequence variant interpretation guidelines (Richards et al. 2015 PMID: 25741868, with internal and published modifications).

Labcorp Genetics (formerly Invitae), Labcorp
Classification: Likely benign for Rhabdoid tumor predisposition syndrome 2. Last evaluated: 2025-01-26. Review status: criteria provided, single submitter. Criteria: Invitae Variant Classification Sherloc (09022015). Collection method: clinical testing. Allele origin: germline.

Ambry Genetics
Classification: Likely benign for Hereditary cancer-predisposing syndrome. Last evaluated: 2021-05-07. Review status: criteria provided, single submitter. Criteria: Ambry Variant Classification Scheme 2023. Collection method: clinical testing. Allele origin: germline.

NM_003072.5(SMARCA4):c.330C>T (p.Pro110=)

Gene: SMARCA4 (SWI/SNF related BAF chromatin remodeling complex subunit ATPase 4; plus strand). Cytogenetic location: 19p13.2.
Variant type: single nucleotide variant.
Coding change: c.330C>T on transcript NM_003072.5 (MANE Select); coding-DNA position 330, C replaced by T.
Protein change: p.Pro110=; no amino-acid change (proline 110 retained).
Molecular consequence: synonymous variant. On other transcripts: non-coding transcript variant (1).
Genome position (GRCh38, 1-based): chr19:10,985,380, C>T. VCF-style: chr19-10985380-C-T. GRCh37 (hg19) VCF-style: chr19-11096056-C-T.
Other names: c.330C>T, p.Pro110= (NM_001128844.3, NM_001128845.2, NM_001128846.2 and 5 more transcripts).
Identifiers: ClinVar variation 415039 (VCV000415039.13), dbSNP rs374224953, ClinGen allele CA9203459.